The following is an entry in ClinVar:

NM_003183.6(ADAM17):c.94C>G (p.Leu32Val)

Gene: ADAM17 (ADAM metallopeptidase domain 17; minus strand). Cytogenetic location: 2p25.1.
Variant type: single nucleotide variant.
Coding change: c.94C>G on transcript NM_003183.6 (MANE Select); coding-DNA position 94, C replaced by G.
Protein change: p.Leu32Val; replaces leucine 32 with valine.
Molecular consequence: missense variant.
Genome position (GRCh38, 1-based): chr2:9,555,512, G>C on the plus strand (C>G on the coding strand, the complement: ADAM17 is on the minus strand). VCF-style: chr2-9555512-G-C. GRCh37 (hg19) VCF-style: chr2-9695641-G-C.
Other names: short protein forms L32V.
Identifiers: ClinVar variation 849633 (VCV000849633.6), dbSNP rs779147649, ClinGen allele CA1523879.

ClinVar aggregate classification (germline): Uncertain significance (1 of 4 stars; one submission).

Conditions:
Inflammatory skin and bowel disease, neonatal, 1. Identifiers: Orphanet 294023, MedGen C3280501, MONDO:0013693, OMIM 614328.

Allele frequency attached by ClinVar (database versions not stated): ExAC below 0.00001; gnomAD 0.00001; gnomAD exomes 0.00001; TOPMed 0.00002.
gnomAD v4.1: 13 of 1,594,296 alleles (0.00082%); highest among the groups gnomAD compares: Non-Finnish European, 0.0011%; no homozygotes.

Submission:

Labcorp Genetics (formerly Invitae), Labcorp
Classification: Uncertain significance for Inflammatory skin and bowel disease, neonatal, 1. Last evaluated: 2019-12-22. Review status: criteria provided, single submitter. Criteria: Invitae Variant Classification Sherloc (09022015). Collection method: clinical testing. Allele origin: germline.
Comment: In summary, the available evidence is currently insufficient to determine the role of this variant in disease. Therefore, it has been classified as a Variant of Uncertain Significance. Algorithms developed to predict the effect of missense changes on protein structure and function (SIFT, PolyPhen-2, Align-GVGD) all suggest that this variant is likely to be tolerated, but these predictions have not been confirmed by published functional studies and their clinical significance is uncertain. This variant has not been reported in the literature in individuals with ADAM17-related conditions. The frequency data for this variant in the population databases is considered unreliable, as metrics indicate poor data quality at this position in the ExAC database. This sequence change replaces leucine with valine at codon 32 of the ADAM17 protein (p.Leu32Val). The leucine residue is weakly conserved and there is a small physicochemical difference between leucine and valine.